The following is an entry in ClinVar:

NM_005228.5(EGFR):c.3265G>C (p.Val1089Leu)

Gene: EGFR (epidermal growth factor receptor; plus strand). Cytogenetic location: 7p11.2.
Variant type: single nucleotide variant.
Coding change: c.3265G>C on transcript NM_005228.5 (MANE Select); coding-DNA position 3265, G replaced by C.
Protein change: p.Val1089Leu; replaces valine 1089 with leucine.
Molecular consequence: missense variant.
Genome position (GRCh38, 1-based): chr7:55,202,619, G>C. VCF-style: chr7-55202619-G-C. GRCh37 (hg19) VCF-style: chr7-55270312-G-C.
Other names: c.3130G>C, p.Val1044Leu (NM_001346897.2, NM_001346899.2); c.3265G>C, p.Val1089Leu (NM_001346898.2); c.3106G>C, p.Val1036Leu (NM_001346900.2); c.2464G>C, p.Val822Leu (NM_001346941.2); short protein forms V1044L, V1089L, V1036L, V822L.
Identifiers: ClinVar variation 4639182 (VCV004639182.1).

ClinVar aggregate classification (germline): Uncertain significance (1 of 4 stars; one submission).

Conditions:
Hereditary cancer-predisposing syndrome. Also called: Neoplastic Syndromes, Hereditary; Tumor predisposition; Hereditary Cancer Syndrome; Hereditary neoplastic syndrome. Identifiers: Orphanet 140162, MedGen C0027672, MeSH D009386, MONDO:0015356.

gnomAD v4.1: 1 of 1,611,992 alleles (0.000062%); highest among the groups gnomAD compares: African/African-American, 0.0013%; no homozygotes.

Submission:

Ambry Genetics
Classification: Uncertain significance for Hereditary cancer-predisposing syndrome. Last evaluated: 2025-10-26. Review status: criteria provided, single submitter. Criteria: Ambry Variant Classification Scheme 2023. Collection method: clinical testing. Allele origin: germline.
Comment: The p.V1089L variant (also known as c.3265G>C), located in coding exon 27 of the EGFR gene, results from a G to C substitution at nucleotide position 3265. The valine at codon 1089 is replaced by leucine, an amino acid with highly similar properties. This amino acid position is conserved. In addition, this alteration is predicted to be tolerated by in silico analysis. Based on the available evidence, the clinical significance of this variant remains unclear.